The following is an entry in ClinVar:

ClinVar aggregate classification (germline): Uncertain significance (1 of 4 stars; one submission).

Conditions:
Gorlin syndrome. Also called: Nevoid Basal Cell Carcinoma Syndrome; Basal cell nevus syndrome. Identifiers: Orphanet 377, MedGen C0004779, MONDO:0007187.

Allele frequency attached by ClinVar (database versions not stated): gnomAD exomes below 0.00001; ExAC 0.00001; TOPMed 0.00001; gnomAD 0.00002.
gnomAD v4.1: 4 of 1,613,948 alleles (0.00025%); highest among the groups gnomAD compares: African/African-American, 0.004%; no homozygotes.

Submission:

Labcorp Genetics (formerly Invitae), Labcorp
Classification: Uncertain significance for Gorlin syndrome. Last evaluated: 2023-09-26. Review status: criteria provided, single submitter. Criteria: Invitae Variant Classification Sherloc (09022015). Collection method: clinical testing. Allele origin: germline.
Comment: This variant has not been reported in the literature in individuals affected with PTCH2-related conditions. This sequence change replaces glycine, which is neutral and non-polar, with glutamic acid, which is acidic and polar, at codon 1138 of the PTCH2 protein (p.Gly1138Glu). This variant is present in population databases (rs772769161, gnomAD 0.004%). Algorithms developed to predict the effect of missense changes on protein structure and function output the following: SIFT: "Not Available"; PolyPhen-2: "Benign"; Align-GVGD: "Not Available". The glutamic acid amino acid residue is found in multiple mammalian species, which suggests that this missense change does not adversely affect protein function. Algorithms developed to predict the effect of sequence changes on RNA splicing suggest that this variant may create or strengthen a splice site. In summary, the available evidence is currently insufficient to determine the role of this variant in disease. Therefore, it has been classified as a Variant of Uncertain Significance.

NM_003738.5(PTCH2):c.3413G>A (p.Gly1138Glu)

Gene: PTCH2 (patched 2; minus strand). Cytogenetic location: 1p34.1.
Variant type: single nucleotide variant.
Coding change: c.3413G>A on transcript NM_003738.5 (MANE Select); coding-DNA position 3413, G replaced by A.
Protein change: p.Gly1138Glu; replaces glycine 1138 with glutamic acid.
Molecular consequence: missense variant.
Genome position (GRCh38, 1-based): chr1:44,822,614, C>T on the plus strand (G>A on the coding strand, the complement: PTCH2 is on the minus strand). VCF-style: chr1-44822614-C-T. GRCh37 (hg19) VCF-style: chr1-45288286-C-T.
Other names: c.3413G>A, p.Gly1138Glu (NM_001166292.2); short protein forms G1138E.
Identifiers: ClinVar variation 2895647 (VCV002895647.3), dbSNP rs772769161, ClinGen allele CA822691.